The following is an entry in ClinVar:

ClinVar aggregate classification (germline): Uncertain significance (1 of 4 stars; one submission).

Conditions:
Congenital contractural arachnodactyly (CCA). Also called: BEALS SYNDROME; Beals-Hecht syndrome; Arthrogryposis, distal, type 9. Identifiers: Orphanet 115, MedGen C0220668, MONDO:0007363, OMIM 121050.

Submission:

Labcorp Genetics (formerly Invitae), Labcorp
Classification: Uncertain significance for Congenital contractural arachnodactyly. Last evaluated: 2025-03-26. Review status: criteria provided, single submitter. Criteria: Invitae Variant Classification Sherloc (09022015). Collection method: clinical testing. Allele origin: germline.
Comment: This sequence change replaces threonine, which is neutral and polar, with lysine, which is basic and polar, at codon 2869 of the FBN2 protein (p.Thr2869Lys). This variant is not present in population databases (gnomAD no frequency). This variant has not been reported in the literature in individuals affected with FBN2-related conditions. ClinVar contains an entry for this variant (Variation ID: 850304). Invitae Evidence Modeling of protein sequence and biophysical properties (such as structural, functional, and spatial information, amino acid conservation, physicochemical variation, residue mobility, and thermodynamic stability) indicates that this missense variant is not expected to disrupt FBN2 protein function with a negative predictive value of 80%. In summary, the available evidence is currently insufficient to determine the role of this variant in disease. Therefore, it has been classified as a Variant of Uncertain Significance.

NM_001999.4(FBN2):c.8606C>A (p.Thr2869Lys)

Gene: FBN2 (fibrillin 2; minus strand). Cytogenetic location: 5q23.3.
Variant type: single nucleotide variant.
Coding change: c.8606C>A on transcript NM_001999.4 (MANE Select); coding-DNA position 8606, C replaced by A.
Protein change: p.Thr2869Lys; replaces threonine 2869 with lysine.
Molecular consequence: missense variant.
Genome position (GRCh38, 1-based): chr5:128,259,588, G>T on the plus strand (C>A on the coding strand, the complement: FBN2 is on the minus strand). VCF-style: chr5-128259588-G-T. GRCh37 (hg19) VCF-style: chr5-127595280-G-T.
Other names: short protein forms T2869K.
Identifiers: ClinVar variation 850304 (VCV000850304.10), dbSNP rs762956345, ClinGen allele CA360745148.